The following is an entry in ClinVar:

NM_001040108.2(MLH3):c.782G>A (p.Arg261Lys)

Gene: MLH3 (mutL homolog 3; minus strand). Cytogenetic location: 14q24.3.
Variant type: single nucleotide variant.
Coding change: c.782G>A on transcript NM_001040108.2 (MANE Select); coding-DNA position 782, G replaced by A.
Protein change: p.Arg261Lys; replaces arginine 261 with lysine.
Molecular consequence: missense variant.
Genome position (GRCh38, 1-based): chr14:75,048,874, C>T on the plus strand (G>A on the coding strand, the complement: MLH3 is on the minus strand). VCF-style: chr14-75048874-C-T. GRCh37 (hg19) VCF-style: chr14-75515577-C-T.
Other names: c.782G>A, p.Arg261Lys (NM_014381.3); short protein forms R261K.
Identifiers: ClinVar variation 2777143 (VCV002777143.3), dbSNP rs2139599422, ClinGen allele CA390449099.

ClinVar aggregate classification (germline): Uncertain significance (1 of 4 stars; one submission).

Conditions:
Colorectal cancer, hereditary nonpolyposis, type 7. Identifiers: Orphanet 144, MedGen C1858380, MONDO:0013725, OMIM 614385.

Allele frequency attached by ClinVar (database versions not stated): gnomAD exomes below 0.00001.
gnomAD v4.1: 1 of 1,614,024 alleles (0.000062%); highest among the groups gnomAD compares: Non-Finnish European, 0.000085%; no homozygotes.

Submission:

Labcorp Genetics (formerly Invitae), Labcorp
Classification: Uncertain significance for Colorectal cancer, hereditary nonpolyposis, type 7. Last evaluated: 2023-03-06. Review status: criteria provided, single submitter. Criteria: Invitae Variant Classification Sherloc (09022015). Collection method: clinical testing. Allele origin: germline.
Comment: In summary, the available evidence is currently insufficient to determine the role of this variant in disease. Therefore, it has been classified as a Variant of Uncertain Significance. Algorithms developed to predict the effect of missense changes on protein structure and function output the following: SIFT: "Not Available"; PolyPhen-2: "Benign"; Align-GVGD: "Not Available". The lysine amino acid residue is found in multiple mammalian species, which suggests that this missense change does not adversely affect protein function. This variant has not been reported in the literature in individuals affected with MLH3-related conditions. This variant is not present in population databases (gnomAD no frequency). This sequence change replaces arginine, which is basic and polar, with lysine, which is basic and polar, at codon 261 of the MLH3 protein (p.Arg261Lys).